The following is an entry in ClinVar:

NM_001211.6(BUB1B):c.2283A>G (p.Leu761=)

Gene: BUB1B (BUB1 mitotic checkpoint serine/threonine kinase B; plus strand). Cytogenetic location: 15q15.1.
Variant type: single nucleotide variant.
Coding change: c.2283A>G on transcript NM_001211.6 (MANE Select); coding-DNA position 2283, A replaced by G.
Protein change: p.Leu761=; no amino-acid change (leucine 761 retained).
Molecular consequence: synonymous variant.
Genome position (GRCh38, 1-based): chr15:40,209,774, A>G. VCF-style: chr15-40209774-A-G. GRCh37 (hg19) VCF-style: chr15-40501975-A-G.
Identifiers: ClinVar variation 1788967 (VCV001788967.3), dbSNP rs2037686992, ClinGen allele CA489710542.

ClinVar aggregate classification (germline): Conflicting classifications of pathogenicity. Review status: criteria provided, conflicting classifications (1 of 4 stars). 2 submissions from 2 submitters: Uncertain significance (1); Likely benign (1). Last evaluated 2025-09-21.

Conditions:
Mosaic variegated aneuploidy syndrome 1 (MVA1). Also called: Warburton-Anyane-Yeboa syndrome. Identifiers: Orphanet 1052, MedGen C1850343, MONDO:0009759, OMIM 257300.
Inborn genetic diseases. Identifiers: MedGen C0950123, MeSH D030342.

Allele frequency attached by ClinVar (database versions not stated): TOPMed below 0.00001.

Submissions (2):

Labcorp Genetics (formerly Invitae), Labcorp
Classification: Uncertain significance for Mosaic variegated aneuploidy syndrome 1. Last evaluated: 2025-09-21. Review status: criteria provided, single submitter. Criteria: Invitae Variant Classification Sherloc (09022015). Collection method: clinical testing. Allele origin: germline.
Comment: This sequence change affects codon 761 of the BUB1B mRNA. It is a 'silent' change, meaning that it does not change the encoded amino acid sequence of the BUB1B protein. It affects a nucleotide within the consensus splice site. This variant is not present in population databases (gnomAD no frequency). This variant has not been reported in the literature in individuals affected with BUB1B-related conditions. ClinVar contains an entry for this variant (Variation ID: 1788967). Algorithms developed to predict the effect of sequence changes on RNA splicing suggest that this variant is not likely to affect RNA splicing. In summary, the available evidence is currently insufficient to determine the role of this variant in disease. Therefore, it has been classified as a Variant of Uncertain Significance.

Ambry Genetics
Classification: Likely benign for Inborn genetic diseases. Last evaluated: 2022-02-12. Review status: criteria provided, single submitter. Criteria: Ambry Variant Classification Scheme 2023. Collection method: clinical testing. Allele origin: germline.